The following continues an entry in ClinVar:

NM_001385875.1(ZFYVE27):c.572G>T (p.Gly191Val)

Gene: ZFYVE27. ClinVar aggregate classification (germline): Conflicting classifications of pathogenicity. Uncertain significance (2); Benign (6); Likely benign (1).

Submissions 29 to 54 of 54:

Dr. Peter K. Rogan Lab, Western University
No classification provided (evidence only). Condition: Uterine corpus endometrial carcinoma. Review status: no classification provided. Collection method: in vitro. Allele origin: not applicable. Functional consequence: retained intron. Not counted in ClinVar's aggregate classification.

Dr. Peter K. Rogan Lab, Western University
No classification provided (evidence only). Condition: Uterine corpus endometrial carcinoma. Review status: no classification provided. Collection method: in vitro. Allele origin: not applicable. Functional consequence: retained intron. Not counted in ClinVar's aggregate classification.

Dr. Peter K. Rogan Lab, Western University
No classification provided (evidence only). Condition: Uterine corpus endometrial carcinoma. Review status: no classification provided. Collection method: in vitro. Allele origin: not applicable. Functional consequence: retained intron. Not counted in ClinVar's aggregate classification.

Dr. Peter K. Rogan Lab, Western University
No classification provided (evidence only). Condition: Uterine corpus endometrial carcinoma. Review status: no classification provided. Collection method: in vitro. Allele origin: not applicable. Functional consequence: retained intron. Not counted in ClinVar's aggregate classification.

Dr. Peter K. Rogan Lab, Western University
No classification provided (evidence only). Condition: Cervical cancer. Review status: no classification provided. Collection method: in vitro. Allele origin: not applicable. Functional consequence: retained intron. Not counted in ClinVar's aggregate classification.

Dr. Peter K. Rogan Lab, Western University
No classification provided (evidence only). Condition: Cervical cancer. Review status: no classification provided. Collection method: in vitro. Allele origin: not applicable. Functional consequence: retained intron. Not counted in ClinVar's aggregate classification.

Dr. Peter K. Rogan Lab, Western University
No classification provided (evidence only). Condition: Cervical cancer. Review status: no classification provided. Collection method: in vitro. Allele origin: not applicable. Functional consequence: retained intron. Not counted in ClinVar's aggregate classification.

Dr. Peter K. Rogan Lab, Western University
No classification provided (evidence only). Condition: Cervical cancer. Review status: no classification provided. Collection method: in vitro. Allele origin: not applicable. Functional consequence: retained intron. Not counted in ClinVar's aggregate classification.

Dr. Peter K. Rogan Lab, Western University
No classification provided (evidence only). Condition: Sarcoma. Review status: no classification provided. Collection method: in vitro. Allele origin: not applicable. Functional consequence: retained intron. Not counted in ClinVar's aggregate classification.

Dr. Peter K. Rogan Lab, Western University
No classification provided (evidence only). Condition: Hepatocellular carcinoma. Review status: no classification provided. Collection method: in vitro. Allele origin: not applicable. Functional consequence: skipped exon, retained intron. Not counted in ClinVar's aggregate classification.

Dr. Peter K. Rogan Lab, Western University
No classification provided (evidence only). Condition: Nonpapillary renal cell carcinoma. Review status: no classification provided. Collection method: in vitro. Allele origin: not applicable. Functional consequence: retained intron. Not counted in ClinVar's aggregate classification.

Dr. Peter K. Rogan Lab, Western University
No classification provided (evidence only). Condition: Thymoma. Review status: no classification provided. Collection method: in vitro. Allele origin: not applicable. Functional consequence: retained intron. Not counted in ClinVar's aggregate classification.

Dr. Peter K. Rogan Lab, Western University
No classification provided (evidence only). Condition: Cholangiocarcinoma. Review status: no classification provided. Collection method: in vitro. Allele origin: not applicable. Functional consequence: retained intron. Not counted in ClinVar's aggregate classification.

Dr. Peter K. Rogan Lab, Western University
No classification provided (evidence only). Condition: Ovarian serous cystadenocarcinoma. Review status: no classification provided. Collection method: in vitro. Allele origin: not applicable. Functional consequence: retained intron. Not counted in ClinVar's aggregate classification.

Dr. Peter K. Rogan Lab, Western University
No classification provided (evidence only). Condition: Ovarian serous cystadenocarcinoma. Review status: no classification provided. Collection method: in vitro. Allele origin: not applicable. Functional consequence: retained intron. Not counted in ClinVar's aggregate classification.

Dr. Peter K. Rogan Lab, Western University
No classification provided (evidence only). Condition: Ovarian serous cystadenocarcinoma. Review status: no classification provided. Collection method: in vitro. Allele origin: not applicable. Functional consequence: retained intron. Not counted in ClinVar's aggregate classification.

Dr. Peter K. Rogan Lab, Western University
No classification provided (evidence only). Condition: Ovarian serous cystadenocarcinoma. Review status: no classification provided. Collection method: in vitro. Allele origin: not applicable. Functional consequence: retained intron. Not counted in ClinVar's aggregate classification.

Dr. Peter K. Rogan Lab, Western University
No classification provided (evidence only). Condition: Ovarian serous cystadenocarcinoma. Review status: no classification provided. Collection method: in vitro. Allele origin: not applicable. Functional consequence: retained intron. Not counted in ClinVar's aggregate classification.

Dr. Peter K. Rogan Lab, Western University
No classification provided (evidence only). Condition: Ovarian serous cystadenocarcinoma. Review status: no classification provided. Collection method: in vitro. Allele origin: not applicable. Functional consequence: retained intron. Not counted in ClinVar's aggregate classification.

Dr. Peter K. Rogan Lab, Western University
No classification provided (evidence only). Condition: Ovarian serous cystadenocarcinoma. Review status: no classification provided. Collection method: in vitro. Allele origin: not applicable. Functional consequence: retained intron. Not counted in ClinVar's aggregate classification.

Dr. Peter K. Rogan Lab, Western University
No classification provided (evidence only). Condition: Gastric cancer. Review status: no classification provided. Collection method: in vitro. Allele origin: not applicable. Functional consequence: retained intron. Not counted in ClinVar's aggregate classification.

Dr. Peter K. Rogan Lab, Western University
No classification provided (evidence only). Condition: Uterine carcinosarcoma. Review status: no classification provided. Collection method: in vitro. Allele origin: not applicable. Functional consequence: retained intron. Not counted in ClinVar's aggregate classification.

Dr. Peter K. Rogan Lab, Western University
No classification provided (evidence only). Condition: Uveal melanoma. Review status: no classification provided. Collection method: in vitro. Allele origin: not applicable. Functional consequence: retained intron. Not counted in ClinVar's aggregate classification.

Dr. Peter K. Rogan Lab, Western University
No classification provided (evidence only). Condition: Malignant tumor of esophagus. Review status: no classification provided. Collection method: in vitro. Allele origin: not applicable. Functional consequence: retained intron. Not counted in ClinVar's aggregate classification.

Dr. Peter K. Rogan Lab, Western University
No classification provided (evidence only). Condition: Malignant tumor of esophagus. Review status: no classification provided. Collection method: in vitro. Allele origin: not applicable. Functional consequence: skipped exon, retained intron. Not counted in ClinVar's aggregate classification.

Genome Diagnostics Laboratory, University Medical Center Utrecht
Classification: Benign. Review status: no assertion criteria provided. Collection method: clinical testing. Allele origin: germline. Affected: yes. Study: VKGL Data-share Consensus. Not counted in ClinVar's aggregate classification.

Literature cited by the submitters: PubMed 24668814 (cited by Illumina Laboratory Services, Illumina and OMIM); PubMed 16826525 (cited by Illumina Laboratory Services, Illumina and OMIM); PubMed 18606302 (cited by Illumina Laboratory Services, Illumina and OMIM); Hamosh, A. Personal Communication. 2024. Baltimore, Md. (cited by OMIM); Mannan, A. U. Response to Martignoni et al. (Letter) Am. J. Hum. Genet. 83: 128-130, 2008. (cited by OMIM).